The following is an entry in ClinVar:

ClinVar aggregate classification (germline): Likely pathogenic (1 of 4 stars; one submission).

Conditions:
Pituitary adenoma 5, multiple types. Identifiers: MedGen C4539685, MONDO:0054601, OMIM 617540.
Usher syndrome type 1D (USH1D). Also called: USHER SYNDROME, TYPE ID. Identifiers: Orphanet 231169, Orphanet 886, MedGen C1832845, MONDO:0010984, OMIM 601067.
Autosomal recessive nonsyndromic hearing loss 12. Also called: DEAFNESS, AUTOSOMAL RECESSIVE 12. Identifiers: Orphanet 90636, MedGen C1832394, MONDO:0011067, OMIM 601386.

gnomAD v4.1: 2 of 1,595,150 alleles (0.00013%); highest among the groups gnomAD compares: African/African-American, 0.0013%; no homozygotes.

Submission:

Juno Genomics, Hangzhou Juno Genomics, Inc
Classification: Likely pathogenic for Usher syndrome type 1D; Pituitary adenoma 5, multiple types; Autosomal recessive nonsyndromic hearing loss 12. Review status: criteria provided, single submitter. Criteria: ACMG Guidelines, 2015. Collection method: clinical testing. Allele origin: germline.
Comment: Null variant in a gene where loss of function (LOF) is a known mechanism of disease.;Absent from controls (or at extremely low frequency if recessive) in Genome Aggregation Database.

NM_022124.6(CDH23):c.7714C>T (p.Gln2572Ter)

Gene: CDH23 (cadherin related 23; plus strand). Cytogenetic location: 10q22.1.
Variant type: single nucleotide variant.
Coding change: c.7714C>T on transcript NM_022124.6 (MANE Select); coding-DNA position 7714, C replaced by T.
Protein change: p.Gln2572Ter; replaces glutamine 2572 with a stop codon.
Molecular consequence: nonsense.
Genome position (GRCh38, 1-based): chr10:71,803,262, C>T. VCF-style: chr10-71803262-C-T. GRCh37 (hg19) VCF-style: chr10-73563019-C-T.
Other names: c.994C>T, p.Gln332Ter (NM_001171933.1, NM_001171934.1); short protein forms Q332*, Q2572*.
Identifiers: ClinVar variation 5007737 (VCV005007737.2).